The following is an entry in ClinVar:

NM_033026.6(PCLO):c.15271G>A (p.Ala5091Thr)

Gene: PCLO (piccolo presynaptic cytomatrix protein; minus strand). Cytogenetic location: 7q21.11.
Variant type: single nucleotide variant.
Coding change: c.15271G>A on transcript NM_033026.6 (MANE Select); coding-DNA position 15271, G replaced by A.
Protein change: p.Ala5091Thr; replaces alanine 5091 with threonine.
Molecular consequence: missense variant.
Genome position (GRCh38, 1-based): chr7:82,760,656, C>T on the plus strand (G>A on the coding strand, the complement: PCLO is on the minus strand). VCF-style: chr7-82760656-C-T. GRCh37 (hg19) VCF-style: chr7-82389972-C-T.
Other names: short protein forms A5091T.
Identifiers: ClinVar variation 2123682 (VCV002123682.4), dbSNP rs2535092255, ClinGen allele CA368019554.

ClinVar aggregate classification (germline): Uncertain significance (1 of 4 stars; one submission).

gnomAD v4.1: 1 of 1,599,936 alleles (0.000063%); highest among the groups gnomAD compares: Non-Finnish European, 0.000085%; no homozygotes.

Submission:

Labcorp Genetics (formerly Invitae), Labcorp
Classification: Uncertain significance. Last evaluated: 2022-04-09. Review status: criteria provided, single submitter. Criteria: Invitae Variant Classification Sherloc (09022015). Collection method: clinical testing. Allele origin: germline.
Comment: This sequence change replaces alanine, which is neutral and non-polar, with threonine, which is neutral and polar, at codon 5091 of the PCLO protein (p.Ala5091Thr). This variant is not present in population databases (gnomAD no frequency). This variant has not been reported in the literature in individuals affected with PCLO-related conditions. Algorithms developed to predict the effect of missense changes on protein structure and function are either unavailable or do not agree on the potential impact of this missense change (SIFT: "Tolerated"; PolyPhen-2: "Not Available"; Align-GVGD: "Class C0"). In summary, the available evidence is currently insufficient to determine the role of this variant in disease. Therefore, it has been classified as a Variant of Uncertain Significance.